The following is an entry in ClinVar:

NM_182710.3(KAT5):c.1296A>G (p.Thr432=)

Genes: KAT5 (lysine acetyltransferase 5; plus strand), RNASEH2C (ribonuclease H2 subunit C; minus strand). Cytogenetic location: 11q13.1.
Variant type: single nucleotide variant.
Coding change: c.1296A>G on transcript NM_182710.3 (MANE Select); coding-DNA position 1296, A replaced by G.
Protein change: p.Thr432=; no amino-acid change (threonine 432 retained).
Molecular consequence: synonymous variant. On other transcripts: 3 prime UTR variant (1).
Genome position (GRCh38, 1-based): chr11:65,718,621, A>G. VCF-style: chr11-65718621-A-G. GRCh37 (hg19) VCF-style: chr11-65486092-A-G.
Other names: c.1140A>G, p.Thr380= (NM_001206833.2); c.1197A>G, p.Thr399= (NM_006388.4); c.1041A>G, p.Thr347= (NM_182709.3); c.*1162T>C (NM_032193.4).
Identifiers: ClinVar variation 3257591 (VCV003257591.18).

ClinVar aggregate classification (germline): Likely benign. Review status: criteria provided, multiple submitters, no conflicts (2 of 4 stars). 2 submissions from 2 submitters: Likely benign (2). Last evaluated 2026-05-01.

gnomAD v4.1: 1,137 of 1,614,220 alleles (0.07%); highest among the groups gnomAD compares: Admixed American, 0.065%; 2 homozygotes.

Submissions (2):

CeGaT Center for Human Genetics Tuebingen
Classification: Likely benign. Last evaluated: 2026-05-01. Review status: criteria provided, single submitter. Criteria: CeGaT Center For Human Genetics Tuebingen Variant Classification Criteria Version 2. Collection method: clinical testing. Allele origin: germline. Affected: yes. Observed: 3 variant alleles.
Comment: KAT5: BP4, BP7

Blueprint Genetics
Classification: Likely benign. Last evaluated: 2024-11-13. Review status: criteria provided, single submitter. Criteria: ACMG Guidelines, 2015. Collection method: clinical testing. Allele origin: germline.